The following is an entry in ClinVar:

ClinVar aggregate classification (germline): Uncertain significance. Review status: criteria provided, single submitter (1 of 4 stars). 2 submissions from 2 submitters: Uncertain significance (1). 1 of the submissions does not count toward it. Last evaluated 2023-12-07.

Conditions:
Congenital myasthenic syndrome (CMS). Also called: Congenital Myasthenic Syndromes. Identifiers: Orphanet 590, MedGen C0751882, MeSH D020294, MONDO:0018940.
Congenital myasthenic syndrome 11. Also called: MYASTHENIC SYNDROME, CONGENITAL, Ie; Myasthenic syndrome, congenital, 11, associated with acetylcholine receptor deficiency. Identifiers: Orphanet 590, MedGen C4225367, MONDO:0014588, OMIM 616326.
Fetal akinesia deformation sequence 1 (FADS1). Also called: Pena-Shokeir syndrome type I; Fetal akinesia sequence. Identifiers: Orphanet 994, MedGen C1276035, MONDO:0100101, OMIM 208150, HP:0001989.

Allele frequency attached by ClinVar (database versions not stated): 1000 Genomes Project 30x 0.00016; 1000 Genomes Project 0.00020.

Submissions (2):

Labcorp Genetics (formerly Invitae), Labcorp
Classification: Uncertain significance for Congenital myasthenic syndrome 11; Fetal akinesia deformation sequence 1. Last evaluated: 2023-12-07. Review status: criteria provided, single submitter. Criteria: Invitae Variant Classification Sherloc (09022015). Collection method: clinical testing. Allele origin: germline.
Comment: This sequence change replaces arginine, which is basic and polar, with glycine, which is neutral and non-polar, at codon 259 of the RAPSN protein (p.Arg259Gly). This variant is present in population databases (rs150207592, gnomAD 0.004%). This variant has not been reported in the literature in individuals affected with RAPSN-related conditions. ClinVar contains an entry for this variant (Variation ID: 639207). Advanced modeling of protein sequence and biophysical properties (such as structural, functional, and spatial information, amino acid conservation, physicochemical variation, residue mobility, and thermodynamic stability) performed at Invitae indicates that this missense variant is not expected to disrupt RAPSN protein function with a negative predictive value of 80%. In summary, the available evidence is currently insufficient to determine the role of this variant in disease. Therefore, it has been classified as a Variant of Uncertain Significance.

Natera, Inc.
Classification: Uncertain significance for Congenital myasthenic syndrome. Last evaluated: 2021-02-04. Review status: no assertion criteria provided. Collection method: clinical testing. Allele origin: germline. Not counted in ClinVar's aggregate classification.

NM_005055.5(RAPSN):c.775C>G (p.Arg259Gly)

Gene: RAPSN (receptor associated protein of the synapse; minus strand). Cytogenetic location: 11p11.2.
Variant type: single nucleotide variant.
Coding change: c.775C>G on transcript NM_005055.5 (MANE Select); coding-DNA position 775, C replaced by G.
Protein change: p.Arg259Gly; replaces arginine 259 with glycine.
Molecular consequence: missense variant.
Genome position (GRCh38, 1-based): chr11:47,441,837, G>C on the plus strand (C>G on the coding strand, the complement: RAPSN is on the minus strand). VCF-style: chr11-47441837-G-C. GRCh37 (hg19) VCF-style: chr11-47463389-G-C.
Other names: c.775C>G, p.Arg259Gly (NM_032645.5); short protein forms R259G.
Identifiers: ClinVar variation 639207 (VCV000639207.10), dbSNP rs150207592, ClinGen allele CA5976644.